The following is an entry in ClinVar:

NM_000057.4(BLM):c.138del (p.Asn46fs)

Gene: BLM (BLM RecQ like helicase; plus strand). Cytogenetic location: 15q26.1.
Variant type: Deletion.
Coding change: c.138del on transcript NM_000057.4 (MANE Select); coding-DNA position 138, one base deleted (T; older notation c.138delT).
Protein change: p.Asn46fs; shifts the reading frame from asparagine 46.
Molecular consequence: frameshift variant. On other transcripts: 5 prime UTR variant (1).
Genome position (GRCh38, 1-based): chr15:90,749,406, T deleted. VCF-style (leftmost placement, unchanged base first): chr15-90749405-AT-A. GRCh37 (hg19) VCF-style: chr15-91292635-AT-A.
Other names: c.138del, p.Asn46fs (NM_001287246.2, NM_001287247.2); c.-1154del (NM_001287248.2); short protein forms N46fs.
Identifiers: ClinVar variation 4880616 (VCV004880616.2).

ClinVar aggregate classification (germline): Likely pathogenic (1 of 4 stars; one submission).

Conditions:
Bloom syndrome (BLM). Also called: Bloom-Torre-Machacek syndrome. Identifiers: Orphanet 125, MedGen C0005859, MONDO:0008876, OMIM 210900.

Submission:

Dasa
Classification: Likely pathogenic for Bloom syndrome. Last evaluated: 2026-03-03. Review status: criteria provided, single submitter. Criteria: DASA Assertion Criteria. Collection method: clinical testing. Allele origin: germline.
Comment: NM_000057.4(BLM):c.138del (p.Asn46Lysfs*4) is a frameshift variant in BLM predicted to alter the reading frame and introduce a premature termination codon and is predicted to result in an absent or altered protein product. Loss of function is an established disease mechanism for BLM-associated disorders. Also, this variant is rare in population databases. Based on the currently available evidence, this variant is classified as likely pathogenic.